The following is an entry in ClinVar:

NM_000059.4(BRCA2):c.1979dup (p.Thr660_Ser661insTer)

Gene: BRCA2 (BRCA2 DNA repair associated; plus strand). Cytogenetic location: 13q13.1.
Variant type: Duplication.
Coding change: c.1979dup on transcript NM_000059.4 (MANE Select); coding-DNA position 1979, one base duplicated (C; older notation c.1979dupC).
Protein change: p.Thr660_Ser661insTer.
Molecular consequence: frameshift variant. On other transcripts: non-coding transcript variant (1), intron variant (2).
Genome position (GRCh38, 1-based): chr13:32,336,334, C duplicated. VCF-style (leftmost placement, unchanged base first): chr13-32336333-A-AC. GRCh37 (hg19) VCF-style: chr13-32910470-A-AC.
Other names: c.1979dup, p.Thr660_Ser661insTer (NM_001406719.1, NM_001406720.1); c.1909+2947dup (NM_001406721.1); c.424+5304dup (NM_001406722.1).
Identifiers: ClinVar variation 2748401 (VCV002748401.3), dbSNP rs2548522923, ClinGen allele CA2697551720.
Genomic context (GRCh38, chr13:32,336,333, plus strand): 5'-CATTCTTCTGTGAAAAGAAGCTGTTCACAGAATGATTCTGAAGAACCAACTTTGTCCTTA[A>AC]CTAGCTCTTTTGGGACAATTCTGAGGAAATGTTCTAGAAATGAAACATGTTCTAATAATA-3'

ClinVar aggregate classification (germline): Pathogenic (1 of 4 stars; one submission).

Conditions:
Hereditary breast ovarian cancer syndrome. Also called: BRCA1- and BRCA2-Associated Hereditary Breast and Ovarian Cancer; Breast and ovarian cancer; Hereditary breast and/or ovarian cancer syndrome; Hereditary breast and ovarian cancer; Hereditary breast and ovarian cancer syndrome (HBOC); Hereditary breast and ovarian cancer syndrome. Identifiers: Orphanet 145, MedGen C0677776, MeSH D061325, MONDO:0003582. Disease mechanism: loss of function.

Submission:

Labcorp Genetics (formerly Invitae), Labcorp
Classification: Pathogenic for Hereditary breast ovarian cancer syndrome. Last evaluated: 2023-07-30. Review status: criteria provided, single submitter. Criteria: Invitae Variant Classification Sherloc (09022015). Collection method: clinical testing. Allele origin: germline.
Comment: This variant is not present in population databases (gnomAD no frequency). This sequence change creates a premature translational stop signal (p.Ser661*) in the BRCA2 gene. It is expected to result in an absent or disrupted protein product. Loss-of-function variants in BRCA2 are known to be pathogenic (PMID: 20104584). For these reasons, this variant has been classified as Pathogenic. This variant has not been reported in the literature in individuals affected with BRCA2-related conditions.

Literature cited by the submitters: PubMed 20104584.